The following is an entry in ClinVar:

NM_007294.4(BRCA1):c.3792G>A (p.Lys1264=)

Genes: BRCA1 (BRCA1 DNA repair associated; minus strand), LOC126862571 (BRD4-independent group 4 enhancer GRCh37_chr17:41243136-41244335; plus strand). Cytogenetic location: 17q21.31.
Variant type: single nucleotide variant.
Coding change: c.3792G>A on transcript NM_007294.4 (MANE Select); coding-DNA position 3792, G replaced by A.
Protein change: p.Lys1264=; no amino-acid change (lysine 1264 retained).
Molecular consequence: synonymous variant. On other transcripts: intron variant (135).
Genome position (GRCh38, 1-based): chr17:43,091,739, C>T on the plus strand (G>A on the coding strand, the complement: BRCA1 is on the minus strand). VCF-style: chr17-43091739-C-T. GRCh37 (hg19) VCF-style: chr17-41243756-C-T.
Other names: c.3579G>A, p.Lys1193= (NM_001407571.1, NM_001407853.1, NM_001407894.1 and 9 more transcripts); c.3792G>A, p.Lys1264= (NM_001407581.1, NM_001407582.1, NM_001407583.1 and 30 more transcripts); c.3789G>A, p.Lys1263= (NM_001407587.1, NM_001407590.1, NM_001407591.1 and 22 more transcripts); c.3783G>A, p.Lys1261= (NM_001407646.1, NM_001407647.1); c.3669G>A, p.Lys1223= (NM_001407648.1, NM_001407664.1, NM_001407665.1 and 19 more transcripts); c.3666G>A, p.Lys1222= (NM_001407649.1, NM_001407670.1, NM_001407671.1 and 11 more transcripts); c.3714G>A, p.Lys1238= (NM_001407653.1, NM_001407654.1, NM_001407655.1 and 4 more transcripts); c.3711G>A, p.Lys1237= (NM_001407659.1, NM_001407660.1, NM_001407661.1 and 1 more transcripts); and 41 more.
Identifiers: ClinVar variation 632686 (VCV000632686.16), dbSNP rs894781955, ClinGen allele CA500232190.

ClinVar aggregate classification (germline): Likely benign. Review status: criteria provided, multiple submitters, no conflicts (2 of 4 stars). 4 submissions from 4 submitters: Likely benign (4). Last evaluated 2025-04-18.

Conditions:
Hereditary cancer-predisposing syndrome. Also called: Tumor predisposition; Neoplastic Syndromes, Hereditary; Hereditary neoplastic syndrome; Hereditary Cancer Syndrome. Identifiers: Orphanet 140162, MedGen C0027672, MeSH D009386, MONDO:0015356.
Hereditary breast ovarian cancer syndrome. Also called: Hereditary breast and ovarian cancer; Hereditary breast and ovarian cancer syndrome (HBOC); Breast and ovarian cancer; Hereditary breast and ovarian cancer syndrome; BRCA1- and BRCA2-Associated Hereditary Breast and Ovarian Cancer; Hereditary breast and/or ovarian cancer syndrome. Identifiers: Orphanet 145, MedGen C0677776, MeSH D061325, MONDO:0003582. Disease mechanism: loss of function.

Allele frequency attached by ClinVar (database versions not stated): gnomAD exomes below 0.00001.
gnomAD v4.1: 1 of 1,614,234 alleles (0.000062%); highest among the groups gnomAD compares: African/African-American, 0.0013%; no homozygotes.

Submissions (4):

Labcorp Genetics (formerly Invitae), Labcorp
Classification: Likely benign for Hereditary breast ovarian cancer syndrome. Last evaluated: 2025-04-18. Review status: criteria provided, single submitter. Criteria: Invitae Variant Classification Sherloc (09022015). Collection method: clinical testing. Allele origin: germline.

Ambry Genetics
Classification: Likely benign for Hereditary cancer-predisposing syndrome. Last evaluated: 2022-03-11. Review status: criteria provided, single submitter. Criteria: Ambry Variant Classification Scheme 2023. Collection method: clinical testing. Allele origin: germline.

Color Diagnostics, LLC DBA Color Health
Classification: Likely benign for Hereditary cancer-predisposing syndrome. Last evaluated: 2021-07-16. Review status: criteria provided, single submitter. Criteria: ACMG Guidelines, 2015. Collection method: clinical testing. Allele origin: germline.

Women's Health and Genetics/Laboratory Corporation of America, LabCorp
Classification: Likely benign. Last evaluated: 2018-08-27. Review status: criteria provided, single submitter. Criteria: LabCorp Variant Classification Summary - May 2015. Collection method: clinical testing. Allele origin: germline.
Comment: Variant summary: BRCA1 c.3792G>A results in a synonymous change. 5/5 computational tools predict no significant impact on normal splicing. However, these predictions have yet to be confirmed by functional studies. The variant was absent in 245902 control chromosomes. The available data on variant occurrences in the general population are insufficient to allow any conclusion about variant significance. To our knowledge, no occurrence of c.3792G>A in individuals affected with Hereditary Breast and Ovarian Cancer and no experimental evidence demonstrating its impact on protein function have been reported. Co-occurrences with other pathogenic variant(s) have been reported (BRCA1 c.3770_3771delAG, p.E1257fsX9), providing supporting evidence for a benign role. No clinical diagnostic laboratories have submitted clinical-significance assessments for this variant to ClinVar after 2014. Based on the evidence outlined above, the variant was classified as likely benign.